The following is an entry in ClinVar:

NM_032578.4(MYPN):c.3756_3757insA (p.Gly1253fs)

Gene: MYPN (myopalladin; plus strand). Cytogenetic location: 10q21.3.
Variant type: Insertion.
Coding change: c.3756_3757insA on transcript NM_032578.4 (MANE Select); coding-DNA positions 3756 to 3757, A inserted.
Protein change: p.Gly1253fs; shifts the reading frame from glycine 1253.
Molecular consequence: frameshift variant. On other transcripts: non-coding transcript variant (2).
Genome position: GRCh38 VCF-style: chr10-68206866-C-CA. GRCh37 (hg19) VCF-style: chr10-69966623-C-CA.
Other names: c.3756_3757insA, p.Gly1253fs (NM_001256267.2); c.2874_2875insA, p.Gly959fs (NM_001256268.2); short protein forms G1253fs, G959fs.
Identifiers: ClinVar variation 841095 (VCV000841095.10), dbSNP rs2043824248, ClinGen allele CA916081586.
Genomic context (GRCh38, chr10:68,206,866, plus strand): 5'-CATTCAGCCAGCCAAGAAATCAGACGCTGGATGGTACACGTTGTCAGCCAAGAATGAAGC[C>CA]GGCATCGTGTCGTGCACTGCCAGGCTGGATATATACGGTAAGTGTAATGCTGTTAGTTGA-3'

ClinVar aggregate classification (germline): Uncertain significance. Review status: criteria provided, multiple submitters, no conflicts (2 of 4 stars). 2 submissions from 2 submitters: Uncertain significance (2). Last evaluated 2019-10-09.

Conditions:
MYPN-related myopathy (CMYO24). Also called: Nemaline myopathy 11, autosomal recessive. Identifiers: MedGen C4479186, MONDO:0015023, OMIM 617336.
Dilated cardiomyopathy 1KK (CMD1KK). Identifiers: Orphanet 154, Orphanet 75249, MedGen C3714995, MONDO:0014100, OMIM 615248.

Submissions (2):

Knight Diagnostic Laboratories, Oregon Health and Sciences University
Classification: Uncertain significance for Nemaline myopathy 11, autosomal recessive. Last evaluated: 2019-10-09. Review status: criteria provided, single submitter. Criteria: ACMG Guidelines, 2015. Collection method: clinical testing. Allele origin: germline. Observed: 1 variant allele.

Labcorp Genetics (formerly Invitae), Labcorp
Classification: Uncertain significance for Dilated cardiomyopathy 1KK. Last evaluated: 2019-03-25. Review status: criteria provided, single submitter. Criteria: Invitae Variant Classification Sherloc (09022015). Collection method: clinical testing. Allele origin: germline.
Comment: This variant has not been reported in the literature in individuals with MYPN-related conditions. In summary, the available evidence is currently insufficient to determine the role of this variant in disease. Therefore, it has been classified as a Variant of Uncertain Significance. Experimental studies and prediction algorithms are not available for this variant, and the functional significance of the affected amino acid(s) is currently unknown. This variant is not present in population databases (ExAC no frequency). This sequence change results in a premature translational stop signal in the MYPN gene (p.Gly1253Argfs*38). While this is not anticipated to result in nonsense mediated decay, it is expected to disrupt the last 68 amino acids of the MYPN protein.